The following is an entry in ClinVar:

ClinVar aggregate classification (germline): Likely benign. Review status: reviewed by expert panel (3 of 4 stars). 3 submissions from 3 submitters: Likely benign (1). 2 of the submissions do not count toward it. Last evaluated 2024-09-10.

Conditions:
Hereditary thrombocytopenia and hematologic cancer predisposition syndrome. Identifiers: Orphanet 71290, MedGen CN281654, MONDO:0011071.
Inborn genetic diseases. Identifiers: MedGen C0950123, MeSH D030342.
Hereditary thrombocytopenia and hematological cancer predisposition syndrome associated with RUNX1. Also called: Familial Platelet Disorder with Propensity to Acute Myelogenous Leukemia; Familial thrombocytopenia with propensity to acute myelogenous leukemia; PLATELET DISORDER, ASPIRIN-LIKE; RUNX1 Familial Platelet Disorder with Associated Myeloid Malignancies. Identifiers: Orphanet 71290, MedGen C1832388, MeSH C563324, MONDO:0100083, OMIM 601399.

Allele frequency attached by ClinVar (database versions not stated): ExAC 0.00001; gnomAD exomes below 0.00001.
gnomAD v4.1: 1 of 1,614,222 alleles (0.000062%); no homozygotes.

Submissions (3):

ClinGen Myeloid Malignancy Variant Curation Expert Panel
Classification: Likely benign for Hereditary thrombocytopenia and hematologic cancer predisposition syndrome. Last evaluated: 2024-09-10. Review status: reviewed by expert panel. Criteria: ClinGen MyeloMalig ACMG Specifications v2. Collection method: curation. Allele origin: germline. Inheritance: Autosomal dominant inheritance.
Comment: NM_001754.5(RUNX1):c.564C>T (p.Thr188=) is a synonymous variant which has a SpliceAI score ≤ 0.20 (0.0) (BP4). This variant has a SpliceAI score ≤ 0.20 (0.0) and evolutionary conservation algorithms predict the site as not being conserved (PhyloP score ≤ 2.0 (-0.85)) (BP7). In summary, this variant meets criteria to be classified as likely benign. ACMG/AMP criteria applied, as specified by the Myeloid Malignancy Variant Curation Expert Panel for RUNX1: BP4, BP7.

Ambry Genetics
Classification: Likely benign for Inborn genetic diseases. Last evaluated: 2026-04-18. Review status: criteria provided, single submitter. Criteria: Ambry Variant Classification Scheme 2023. Collection method: clinical testing. Allele origin: germline. Not counted in ClinVar's aggregate classification.

Labcorp Genetics (formerly Invitae), Labcorp
Classification: Likely benign for Hereditary thrombocytopenia and hematological cancer predisposition syndrome associated with RUNX1. Last evaluated: 2021-10-23. Review status: criteria provided, single submitter. Criteria: Invitae Variant Classification Sherloc (09022015). Collection method: clinical testing. Allele origin: germline. Not counted in ClinVar's aggregate classification.

NM_001754.5(RUNX1):c.564C>T (p.Thr188=)

Genes: RUNX1 (RUNX family transcription factor 1; minus strand), RUNX1-AS1 (RUNX1 antisense RNA 1; plus strand). Cytogenetic location: 21q22.12.
Variant type: single nucleotide variant.
Coding change: c.564C>T on transcript NM_001754.5 (MANE Select); coding-DNA position 564, C replaced by T.
Protein change: p.Thr188=; no amino-acid change (threonine 188 retained).
Molecular consequence: synonymous variant.
Genome position (GRCh38, 1-based): chr21:34,859,523, G>A on the plus strand (C>T on the coding strand, the complement: RUNX1 is on the minus strand). VCF-style: chr21-34859523-G-A. GRCh37 (hg19) VCF-style: chr21-36231820-G-A.
Other names: NM_001754.5(RUNX1):c.564C>T; p.Thr188=; c.483C>T, p.Thr161= (NM_001001890.3, NM_001122607.2); c.564C>T (NM_001754.4).
Identifiers: ClinVar variation 1612738 (VCV001612738.10), dbSNP rs781348463, ClinGen allele CA10014476.